The following is an entry in ClinVar:

NM_001735.3(C5):c.709T>A (p.Phe237Ile)

Gene: C5 (complement C5; minus strand). Cytogenetic location: 9q33.2.
Variant type: single nucleotide variant.
Coding change: c.709T>A on transcript NM_001735.3 (MANE Select); coding-DNA position 709, T replaced by A.
Protein change: p.Phe237Ile; replaces phenylalanine 237 with isoleucine.
Molecular consequence: missense variant.
Genome position (GRCh38, 1-based): chr9:121,030,446, A>T on the plus strand (T>A on the coding strand, the complement: C5 is on the minus strand). VCF-style: chr9-121030446-A-T. GRCh37 (hg19) VCF-style: chr9-123792724-A-T.
Other names: c.727T>A, p.Phe243Ile (NM_001317163.2); c.709T>A, p.Phe237Ile (NM_001317164.2); short protein forms F237I, F243I.
Identifiers: ClinVar variation 2102113 (VCV002102113.4), dbSNP rs2540444849, ClinGen allele CA374757050.

ClinVar aggregate classification (germline): Uncertain significance (1 of 4 stars; one submission).

Submission:

Labcorp Genetics (formerly Invitae), Labcorp
Classification: Uncertain significance. Last evaluated: 2022-02-22. Review status: criteria provided, single submitter. Criteria: Invitae Variant Classification Sherloc (09022015). Collection method: clinical testing. Allele origin: germline.
Comment: This sequence change replaces phenylalanine, which is neutral and non-polar, with isoleucine, which is neutral and non-polar, at codon 237 of the C5 protein (p.Phe237Ile). This variant is not present in population databases (gnomAD no frequency). This variant has not been reported in the literature in individuals affected with C5-related conditions. Algorithms developed to predict the effect of missense changes on protein structure and function are either unavailable or do not agree on the potential impact of this missense change (SIFT: "Deleterious"; PolyPhen-2: "Benign"; Align-GVGD: "Class C0"). In summary, the available evidence is currently insufficient to determine the role of this variant in disease. Therefore, it has been classified as a Variant of Uncertain Significance.